The following is an entry in ClinVar:

ClinVar aggregate classification (germline): Benign/Likely benign. Review status: criteria provided, multiple submitters, no conflicts (2 of 4 stars). 3 submissions from 3 submitters: Benign (1); Likely benign (2). Last evaluated 2026-01-20.

Conditions:
Congenital hyperammonemia, type I. Also called: Carbamoyl-phosphate synthase I deficiency; CPS I DEFICIENCY; Carbamoyl phosphate synthetase 1 deficiency; Hyperammonemia due to carbamoyl phosphate synthetase 1 deficiency; CPS 1 deficiency; Carbamyl phosphate synthetase (CPS) deficiency. Identifiers: Orphanet 147, MedGen C4082171, MONDO:0009376, OMIM 237300.

Allele frequency attached by ClinVar (database versions not stated): gnomAD exomes 0.00016 and 0.00041; ExAC 0.00044; TOPMed 0.00157; gnomAD 0.00166 and 0.00173; 1000 Genomes Project 0.00200; 1000 Genomes Project 30x 0.00312.
gnomAD v4.1: 499 of 1,613,610 alleles (0.031%); highest among the groups gnomAD compares: African/African-American, 0.59%; 1 homozygote.

Submissions (3):

Labcorp Genetics (formerly Invitae), Labcorp
Classification: Benign for Congenital hyperammonemia, type I. Last evaluated: 2026-01-20. Review status: criteria provided, single submitter. Criteria: Invitae Variant Classification Sherloc (09022015). Collection method: clinical testing. Allele origin: germline.

Blueprint Genetics
Classification: Likely benign. Last evaluated: 2022-10-26. Review status: criteria provided, single submitter. Criteria: ACMG Guidelines, 2015. Collection method: clinical testing. Allele origin: germline.

Illumina Laboratory Services, Illumina
Classification: Likely benign for Congenital hyperammonemia, type I. Last evaluated: 2018-01-13. Review status: criteria provided, single submitter. Criteria: ICSL Variant Classification Criteria 13 December 2019. Collection method: clinical testing. Allele origin: germline.
Comment: This variant was observed in the ICSL laboratory as part of a predisposition screen in an ostensibly healthy population. It had not been previously curated by ICSL or reported in the Human Gene Mutation Database (HGMD: prior to June 1st, 2018), and was therefore a candidate for classification through an automated scoring system. Utilizing variant allele frequency, disease prevalence and penetrance estimates, and inheritance mode, an automated score was calculated to assess if this variant is too frequent to cause the disease. Based on the score and internal cut-off values, a variant classified as likely benign is not then subjected to further curation. The score for this variant resulted in a classification of likely benign for this disease.

NM_001875.5(CPS1):c.3928-15T>C

Gene: CPS1 (carbamoyl-phosphate synthase 1; plus strand). Cytogenetic location: 2q34.
Variant type: single nucleotide variant.
Coding change: c.3928-15T>C on transcript NM_001875.5 (MANE Select); 15 bases into the intron before coding-DNA position 3928, T replaced by C.
Molecular consequence: intron variant.
Genome position (GRCh38, 1-based): chr2:210,663,108, T>C. VCF-style: chr2-210663108-T-C. GRCh37 (hg19) VCF-style: chr2-211527832-T-C.
Other names: c.3928-15T>C (NM_001369257.1, NM_001122633.3); c.3961-15T>C (NM_001369256.1).
Identifiers: ClinVar variation 895909 (VCV000895909.14), dbSNP rs552764351, ClinGen allele CA2087126.